The following is an entry in ClinVar:

NM_000203.5(IDUA):c.86C>G (p.Pro29Arg)

Genes: IDUA (alpha-L-iduronidase; plus strand), SLC26A1 (solute carrier family 26 member 1; minus strand). Cytogenetic location: 4p16.3.
Variant type: single nucleotide variant.
Coding change: c.86C>G on transcript NM_000203.5 (MANE Select); coding-DNA position 86, C replaced by G.
Protein change: p.Pro29Arg; replaces proline 29 with arginine.
Molecular consequence: missense variant. On other transcripts: non-coding transcript variant (1), intron variant (1).
Genome position (GRCh38, 1-based): chr4:987,170, C>G. VCF-style: chr4-987170-C-G. GRCh37 (hg19) VCF-style: chr4-980958-C-G.
Other names: c.576+3958G>C (NM_134425.4); short protein forms P29R.
Identifiers: ClinVar variation 2152691 (VCV002152691.4), dbSNP rs768462916, ClinGen allele CA2801111.

ClinVar aggregate classification (germline): Uncertain significance. Review status: criteria provided, multiple submitters, no conflicts (2 of 4 stars). 3 submissions from 3 submitters: Uncertain significance (3). Last evaluated 2023-03-16.

Conditions:
Inborn genetic diseases. Identifiers: MedGen C0950123, MeSH D030342.
Mucopolysaccharidosis type 1. Also called: IDUA deficiency; MPS I; Mucopolysaccharidosis Type I. Identifiers: Orphanet 579, MedGen C0023786, MONDO:0001586.

Allele frequency attached by ClinVar (database versions not stated): ExAC 0.00026; gnomAD 0.00002; gnomAD exomes 0.00001; TOPMed 0.00003.
gnomAD v4.1: 22 of 1,451,100 alleles (0.0015%); highest among the groups gnomAD compares: South Asian, 0.0054%; no homozygotes.

Submissions (3):

Revvity Omics, Revvity
Classification: Uncertain significance. Last evaluated: 2023-03-16. Review status: criteria provided, single submitter. Criteria: ACMG Guidelines, 2015. Collection method: clinical testing. Allele origin: germline.

Labcorp Genetics (formerly Invitae), Labcorp
Classification: Uncertain significance for Mucopolysaccharidosis type 1. Last evaluated: 2022-08-22. Review status: criteria provided, single submitter. Criteria: Invitae Variant Classification Sherloc (09022015). Collection method: clinical testing. Allele origin: germline.
Comment: This sequence change replaces proline, which is neutral and non-polar, with arginine, which is basic and polar, at codon 29 of the IDUA protein (p.Pro29Arg). This variant is present in population databases (rs768462916, gnomAD 0.05%). This variant has not been reported in the literature in individuals affected with IDUA-related conditions. Algorithms developed to predict the effect of missense changes on protein structure and function are either unavailable or do not agree on the potential impact of this missense change (SIFT: "Tolerated"; PolyPhen-2: "Not Available"; Align-GVGD: "Class C0"). In summary, the available evidence is currently insufficient to determine the role of this variant in disease. Therefore, it has been classified as a Variant of Uncertain Significance.

Ambry Genetics
Classification: Uncertain significance for Inborn genetic diseases. Last evaluated: 2022-02-18. Review status: criteria provided, single submitter. Criteria: Ambry Variant Classification Scheme 2023. Collection method: clinical testing. Allele origin: germline.